The following is an entry in ClinVar:

ClinVar aggregate classification (germline): Uncertain significance (1 of 4 stars; one submission).

gnomAD v4.1: 12 of 1,614,186 alleles (0.00074%); highest among the groups gnomAD compares: African/African-American, 0.0093%; no homozygotes.

Submission:

Labcorp Genetics (formerly Invitae), Labcorp
Classification: Uncertain significance. Last evaluated: 2025-03-25. Review status: criteria provided, single submitter. Criteria: Invitae Variant Classification Sherloc (09022015). Collection method: clinical testing. Allele origin: germline.
Comment: This sequence change replaces threonine, which is neutral and polar, with alanine, which is neutral and non-polar, at codon 452 of the EFTUD2 protein (p.Thr452Ala). This variant is present in population databases (rs546911905, gnomAD 0.03%). This variant has not been reported in the literature in individuals affected with EFTUD2-related conditions. Invitae Evidence Modeling of protein sequence and biophysical properties (such as structural, functional, and spatial information, amino acid conservation, physicochemical variation, residue mobility, and thermodynamic stability) indicates that this missense variant is expected to disrupt EFTUD2 protein function with a positive predictive value of 80%. In summary, the available evidence is currently insufficient to determine the role of this variant in disease. Therefore, it has been classified as a Variant of Uncertain Significance.

NM_004247.4(EFTUD2):c.1354A>G (p.Thr452Ala)

Gene: EFTUD2 (elongation factor Tu GTP binding domain containing 2; minus strand). Cytogenetic location: 17q21.31.
Variant type: single nucleotide variant.
Coding change: c.1354A>G on transcript NM_004247.4 (MANE Select); coding-DNA position 1354, A replaced by G.
Protein change: p.Thr452Ala; replaces threonine 452 with alanine.
Molecular consequence: missense variant.
Genome position (GRCh38, 1-based): chr17:44,863,714, T>C on the plus strand (A>G on the coding strand, the complement: EFTUD2 is on the minus strand). VCF-style: chr17-44863714-T-C. GRCh37 (hg19) VCF-style: chr17-42941082-T-C.
Other names: c.1249A>G, p.Thr417Ala (NM_001142605.2); c.1354A>G, p.Thr452Ala (NM_001258353.2); c.1324A>G, p.Thr442Ala (NM_001258354.2); short protein forms T442A, T417A, T452A.
Identifiers: ClinVar variation 4751400 (VCV004751400.1).